The following is an entry in ClinVar:

ClinVar aggregate classification (germline): Conflicting classifications of pathogenicity. Review status: criteria provided, conflicting classifications (1 of 4 stars). 5 submissions from 5 submitters: Uncertain significance (1); Likely benign (3). 1 of the submissions does not count toward it. Last evaluated 2026-01-06.

Conditions:
CRB2-related disorder. Also called: CRB2-related condition; CRB2-related disorders.
Inborn genetic diseases. Identifiers: MedGen C0950123, MeSH D030342.

Allele frequency attached by ClinVar (database versions not stated): 1000 Genomes Project 30x 0.00156; 1000 Genomes Project 0.00160.

Submissions (5):

Labcorp Genetics (formerly Invitae), Labcorp
Classification: Likely benign. Last evaluated: 2026-01-06. Review status: criteria provided, single submitter. Criteria: Invitae Variant Classification Sherloc (09022015). Collection method: clinical testing. Allele origin: germline.

Mayo Clinic Laboratories, Mayo Clinic
Classification: Likely benign. Last evaluated: 2025-09-19. Review status: criteria provided, single submitter. Criteria: ACMG Guidelines, 2015. Collection method: clinical testing. Allele origin: germline. Observed: 1 variant allele.
Comment: BS1

Ambry Genetics
Classification: Likely benign for Inborn genetic diseases. Last evaluated: 2021-07-27. Review status: criteria provided, single submitter. Criteria: Ambry Variant Classification Scheme 2023. Collection method: clinical testing. Allele origin: germline.

GeneDx
Classification: Uncertain significance. Last evaluated: 2019-05-24. Review status: criteria provided, single submitter. Criteria: GeneDx Variant Classification Process June 2021. Collection method: clinical testing. Allele origin: germline. Affected: yes.
Comment: In silico analysis, which includes protein predictors and evolutionary conservation, supports that this variant does not alter protein structure/function; Has not been previously published as pathogenic or benign to our knowledge

PreventionGenetics, part of Exact Sciences
Classification: Likely benign for CRB2-related condition. Last evaluated: 2022-03-04. Review status: no assertion criteria provided. Collection method: clinical testing. Allele origin: germline. Not counted in ClinVar's aggregate classification.
Comment: This variant is classified as likely benign based on ACMG/AMP sequence variant interpretation guidelines (Richards et al. 2015 PMID: 25741868, with internal and published modifications).

NM_173689.7(CRB2):c.883G>A (p.Ala295Thr)

Gene: CRB2 (crumbs cell polarity complex component 2; plus strand). Cytogenetic location: 9q33.3.
Variant type: single nucleotide variant.
Coding change: c.883G>A on transcript NM_173689.7 (MANE Select); coding-DNA position 883, G replaced by A.
Protein change: p.Ala295Thr; replaces alanine 295 with threonine.
Molecular consequence: missense variant.
Genome position (GRCh38, 1-based): chr9:123,367,300, G>A. VCF-style: chr9-123367300-G-A. GRCh37 (hg19) VCF-style: chr9-126129579-G-A.
Other names: p.Ala295Thr; c.883G>A (NM_173689.5); short protein forms A295T.
Identifiers: ClinVar variation 1077292 (VCV001077292.15), dbSNP rs74778545, ClinGen allele CA5231829.